The following is an entry in ClinVar:

ClinVar aggregate classification (germline): Uncertain significance. Review status: criteria provided, multiple submitters, no conflicts (2 of 4 stars). 2 submissions from 2 submitters: Uncertain significance (2). Last evaluated 2026-07-13.

Conditions:
Retinitis pigmentosa 2 (RP2). Also called: Retinitis pigmentosa 2, X linked. Identifiers: Orphanet 791, MedGen C2681923, MONDO:0010723, OMIM 312600.

Submissions (2):

Mahmoud Shekari Research Group, Tabriz University of Medical Sciences
Classification: Uncertain significance for Retinitis pigmentosa 2. Last evaluated: 2026-07-13. Review status: criteria provided, single submitter. Criteria: ACMG Guidelines, 2015. Collection method: clinical testing. Allele origin: germline. Inheritance: X-linked recessive inheritance. Affected: yes. Observed: 3 variant alleles, 3 hemizygotes. Clinical features observed: Night blindness (HP:0000662), Nystagmus (HP:0000639), Constriction of peripheral visual field (HP:0001133).
Comment: The PP1 criterion was applied because this variant segregates with the disease in the family. The variant was observed in three affected individuals in the pedigree, supporting co-segregation with the reported phenotype.

Blueprint Genetics
Classification: Uncertain significance. Last evaluated: 2018-10-04. Review status: criteria provided, single submitter. Criteria: ACMG Guidelines, 2015. Collection method: clinical testing. Allele origin: germline.

NM_006915.3(RP2):c.800C>G (p.Thr267Arg)

Gene: RP2 (RP2 activator of ARL3 GTPase; plus strand). Cytogenetic location: Xp11.3.
Variant type: single nucleotide variant.
Coding change: c.800C>G on transcript NM_006915.3 (MANE Select); coding-DNA position 800, C replaced by G.
Protein change: p.Thr267Arg; replaces threonine 267 with arginine.
Molecular consequence: missense variant.
Genome position (GRCh38, 1-based): chrX:46,860,019, C>G. VCF-style: chrX-46860019-C-G. GRCh37 (hg19) VCF-style: chrX-46719454-C-G.
Other names: short protein forms T267R.
Identifiers: ClinVar variation 4879894 (VCV004879894.2).